The following is an entry in ClinVar:

NM_015294.6(TRIM37):c.1346dup (p.Ser450fs)

Gene: TRIM37 (tripartite motif containing 37; minus strand). Cytogenetic location: 17q22.
Variant type: Duplication.
Coding change: c.1346dup on transcript NM_015294.6 (MANE Select); coding-DNA position 1346, one base duplicated (A; older notation c.1346dupA).
Protein change: p.Ser450fs; shifts the reading frame from serine 450.
Molecular consequence: frameshift variant. On other transcripts: non-coding transcript variant (2).
Genome position (GRCh38, 1-based): chr17:59,049,362, T duplicated on the plus strand (A on the coding strand, the reverse complement: TRIM37 is on the minus strand); the first of 2 consecutive T bases (chr17:59,049,362-59,049,363); duplicating either gives the same sequence. VCF-style (leftmost placement, unchanged base first): chr17-59049361-C-CT. GRCh37 (hg19) VCF-style: chr17-57126722-C-CT.
Other names: c.1346dup, p.Ser450fs (NM_001005207.5, NM_001320988.3, NM_001320989.3 and 1 more transcripts); c.1244dup, p.Ser416fs (NM_001320987.3, NM_001353082.2); c.980dup, p.Ser328fs (NM_001320990.3); c.611dup, p.Ser205fs (NM_001353083.2); c.884dup, p.Ser296fs (NM_001353085.2); c.1295dup, p.Ser433fs (NM_001353086.2); short protein forms S205fs, S296fs, S433fs, S328fs, S450fs, S416fs.
Identifiers: ClinVar variation 56564 (VCV000056564.3), dbSNP rs386834000, ClinGen allele CA144367.

ClinVar aggregate classification (germline): Pathogenic/Likely pathogenic. Review status: no assertion criteria provided (0 of 4 stars). 2 submissions from 2 submitters: Pathogenic (1); Likely pathogenic (1). Last evaluated 2000-07-01.

Conditions:
Mulibrey nanism syndrome. Also called: MUSCLE-LIVER-BRAIN-EYE NANISM; PERHEENTUPA SYNDROME; PERICARDIAL CONSTRICTION AND GROWTH FAILURE. Identifiers: Orphanet 2576, MedGen C0524582, MONDO:0009664, OMIM 253250.

Submissions (2):

OMIM
Classification: Pathogenic for MULIBREY NANISM. Last evaluated: 2000-07-01. Review status: no assertion criteria provided. Collection method: literature only. Allele origin: germline.

Juha Muilu Group; Institute for Molecular Medicine Finland (FIMM)
Classification: Likely pathogenic for Mulibrey nanism syndrome. Review status: no assertion criteria provided. Collection method: not provided. Allele origin: unknown.
Comment: FinDis database variant: This variant was not found or characterized by our laboratory, data were collected from public sources: see reference
ClinVar note: Converted during submission from probable-pathogenic to Likely pathogenic.

Literature cited by the submitters: PubMed 10888877 (cited by OMIM).